The following is an entry in ClinVar:

ClinVar aggregate classification (germline): Uncertain significance. Review status: criteria provided, single submitter (1 of 4 stars). 2 submissions from 2 submitters: Uncertain significance (1). 1 of the submissions does not count toward it. Last evaluated 2023-09-12.

Conditions:
Retinitis pigmentosa 39 (RP39). Identifiers: Orphanet 791, MedGen C3151138, MONDO:0013436, OMIM 613809.
Usher syndrome type 2A. Also called: RETINAL DISEASE IN USHER SYNDROME TYPE IIA, MODIFIER OF; USHER SYNDROME, TYPE IIA. Identifiers: Orphanet 231178, Orphanet 886, MedGen C1848634, MONDO:0010169, OMIM 276901.

Allele frequency attached by ClinVar (database versions not stated): TOPMed 0.00002.
gnomAD v4.1: 7 of 1,613,750 alleles (0.00043%); highest among the groups gnomAD compares: Admixed American, 0.0017%; no homozygotes.

Submissions (2):

Labcorp Genetics (formerly Invitae), Labcorp
Classification: Uncertain significance. Last evaluated: 2023-09-12. Review status: criteria provided, single submitter. Criteria: Invitae Variant Classification Sherloc (09022015). Collection method: clinical testing. Allele origin: germline.
Comment: This sequence change replaces proline, which is neutral and non-polar, with serine, which is neutral and polar, at codon 2730 of the USH2A protein (p.Pro2730Ser). In summary, the available evidence is currently insufficient to determine the role of this variant in disease. Therefore, it has been classified as a Variant of Uncertain Significance. Advanced modeling of protein sequence and biophysical properties (such as structural, functional, and spatial information, amino acid conservation, physicochemical variation, residue mobility, and thermodynamic stability) performed at Invitae indicates that this missense variant is expected to disrupt USH2A protein function. ClinVar contains an entry for this variant (Variation ID: 553991). This missense change has been observed in individual(s) with retinitis pigmentosa and/or Usher syndrome (PMID: 25412400, 28512305). This variant is present in population databases (rs768532694, gnomAD 0.003%).

Counsyl
Classification: Uncertain significance for Usher syndrome type 2A; Retinitis pigmentosa 39. Last evaluated: 2017-10-05. Review status: no assertion criteria provided. Collection method: clinical testing. Allele origin: unknown. Not counted in ClinVar's aggregate classification.

Literature cited by the submitters: PubMed 25412400 (cited by Labcorp Genetics (formerly Invitae), Labcorp and Counsyl); PubMed 28512305 (cited by Labcorp Genetics (formerly Invitae), Labcorp and Counsyl).

NM_206933.4(USH2A):c.8188C>T (p.Pro2730Ser)

Gene: USH2A (usherin; minus strand). Cytogenetic location: 1q41.
Variant type: single nucleotide variant.
Coding change: c.8188C>T on transcript NM_206933.4 (MANE Select); coding-DNA position 8188, C replaced by T.
Protein change: p.Pro2730Ser; replaces proline 2730 with serine.
Molecular consequence: missense variant.
Genome position (GRCh38, 1-based): chr1:215,888,461, G>A on the plus strand (C>T on the coding strand, the complement: USH2A is on the minus strand). VCF-style: chr1-215888461-G-A. GRCh37 (hg19) VCF-style: chr1-216061803-G-A.
Other names: short protein forms P2730S.
Identifiers: ClinVar variation 553991 (VCV000553991.3), dbSNP rs768532694, ClinGen allele CA1394666.
Genomic context (GRCh38, chr1:215,888,461, plus strand): 5'-GGAGAGAGAATAGTCAGTATCTTACCTGGACTGCATCGGGTTCCAGCACTGTCACCACAG[G>A]TGGCTGCACCCCAGCAGGTCGTGAGGGTCTTGTGGTAACTTCTACCCAAGCACTGCTGTT-3'
Protein context (NP_996816.3, residues 2720-2740): RPSRPAGVQP[Pro2730Ser]VVTVLEPDAV